The following is an entry in ClinVar:

NM_000303.3(PMM2):c.523+1del

Gene: PMM2 (phosphomannomutase 2; plus strand). Cytogenetic location: 16p13.2.
Variant type: Deletion.
Coding change: c.523+1del on transcript NM_000303.3 (MANE Select); the canonical splice donor site of the intron after coding-DNA position 523, one base deleted (G; older notation c.523+1delG).
Molecular consequence: splice donor variant.
Genome position (GRCh38, 1-based): chr16:8,811,714, G deleted; the last of 2 consecutive G bases (chr16:8,811,713-8,811,714); deleting either gives the same sequence. VCF-style (leftmost placement, unchanged base first): chr16-8811712-AG-A. GRCh37 (hg19) VCF-style: chr16-8905569-AG-A.
Identifiers: ClinVar variation 1440145 (VCV001440145.6), dbSNP rs2141023403, ClinGen allele CA2573152103.

ClinVar aggregate classification (germline): Pathogenic (1 of 4 stars; one submission).

Conditions:
PMM2-congenital disorder of glycosylation. Also called: CDG Ia; JAEKEN SYNDROME; Congenital disorder of glycosylation, type Ia; PHOSPHOMANNOMUTASE 2 DEFICIENCY; CARBOHYDRATE-DEFICIENT GLYCOPROTEIN SYNDROME, TYPE Ia; PMM2-CDG. Identifiers: Orphanet 79318, MedGen C0349653, MONDO:0008907, OMIM 212065.

Submission:

Labcorp Genetics (formerly Invitae), Labcorp
Classification: Pathogenic for PMM2-congenital disorder of glycosylation. Last evaluated: 2020-11-21. Review status: criteria provided, single submitter. Criteria: Invitae Variant Classification Sherloc (09022015). Collection method: clinical testing. Allele origin: germline.
Comment: This sequence change creates a premature translational stop signal (p.Gly175Glufs*57) in the PMM2 gene. While this is not anticipated to result in nonsense mediated decay, it is expected to disrupt the last 14 amino acid(s) of the PMM2 protein. This variant is not present in population databases (ExAC no frequency). This variant has not been reported in the literature in individuals with PMM2-related conditions. Algorithms developed to predict the effect of sequence changes on RNA splicing suggest that this variant may disrupt the consensus splice site, but this prediction has not been confirmed by published transcriptional studies. This variant disrupts the C-terminus of the PMM2 protein. Other variant(s) that disrupt this region (p.Glu235*) have been determined to be pathogenic (Invitae). This suggests that variants that disrupt this region of the protein are likely to be causative of disease. For these reasons, this variant has been classified as Pathogenic.